The following is an entry in ClinVar:

NM_001384900.1(SEMA3D):c.540A>G (p.Arg180=)

Gene: SEMA3D (semaphorin 3D; minus strand). Cytogenetic location: 7q21.11.
Variant type: single nucleotide variant.
Coding change: c.540A>G on transcript NM_001384900.1 (MANE Select); coding-DNA position 540, A replaced by G.
Protein change: p.Arg180=; no amino-acid change (arginine 180 retained).
Molecular consequence: synonymous variant.
Genome position (GRCh38, 1-based): chr7:85,068,240, T>C on the plus strand (A>G on the coding strand, the complement: SEMA3D is on the minus strand). VCF-style: chr7-85068240-T-C. GRCh37 (hg19) VCF-style: chr7-84697556-T-C.
Other names: c.540A>G, p.Arg180= (NM_001384901.1, NM_001384902.1, NM_001384903.1 and 1 more transcripts).
Identifiers: ClinVar variation 4998149 (VCV004998149.1).

ClinVar aggregate classification (germline): Likely benign (1 of 4 stars; one submission).

Conditions:
SEMA3D-related disorder. Also called: SEMA3D-related condition.

Submission:

PreventionGenetics, part of Exact Sciences
Classification: Likely benign for SEMA3D-related condition. Last evaluated: 2025-03-07. Review status: criteria provided, single submitter. Criteria: ACMG Guidelines, 2015. Collection method: clinical testing. Allele origin: germline.
Comment: This variant is classified as likely benign based on ACMG/AMP sequence variant interpretation guidelines (Richards et al. 2015 PMID: 25741868, with internal and published modifications).